The following is an entry in ClinVar:

NM_024422.6(DSC2):c.1264-18A>G

Gene: DSC2 (desmocollin 2; minus strand). Cytogenetic location: 18q12.1.
Variant type: single nucleotide variant.
Coding change: c.1264-18A>G on transcript NM_024422.6 (MANE Select); 18 bases into the intron before coding-DNA position 1264, A replaced by G.
Molecular consequence: intron variant.
Genome position (GRCh38, 1-based): chr18:31,080,370, T>C on the plus strand (A>G on the coding strand, the complement: DSC2 is on the minus strand). VCF-style: chr18-31080370-T-C. GRCh37 (hg19) VCF-style: chr18-28660336-T-C.
Other names: c.1264-18A>G (NM_004949.5).
Identifiers: ClinVar variation 1414508 (VCV001414508.8), dbSNP rs374946259, ClinGen allele CA030619.

ClinVar aggregate classification (germline): Uncertain significance (1 of 4 stars; one submission).

Conditions:
Arrhythmogenic right ventricular dysplasia 11. Also called: Arrhythmogenic right ventricular dysplasia 11 with mild palmoplantar keratoderma and woolly hair; Arrhythmogenic Right Ventricular Dysplasia/Cardiomyopathy11; ARRHYTHMOGENIC RIGHT VENTRICULAR DYSPLASIA, FAMILIAL, 11. Identifiers: MedGen C1864850, MONDO:0012506, OMIM 610476.

Allele frequency attached by ClinVar (database versions not stated): ExAC 0.00001; TOPMed 0.00004; gnomAD 0.00006 and 0.00005; ESP Exome Variant Server 0.00008; gnomAD exomes 0.00001.
gnomAD v4.1: 17 of 1,612,744 alleles (0.0011%); highest among the groups gnomAD compares: Admixed American, 0.0017%; no homozygotes.

Submission:

Labcorp Genetics (formerly Invitae), Labcorp
Classification: Uncertain significance for Arrhythmogenic right ventricular dysplasia 11. Last evaluated: 2025-07-20. Review status: criteria provided, single submitter. Criteria: Invitae Variant Classification Sherloc (09022015). Collection method: clinical testing. Allele origin: germline.
Comment: This sequence change falls in intron 9 of the DSC2 gene. It does not directly change the encoded amino acid sequence of the DSC2 protein. This variant is present in population databases (rs374946259, gnomAD 0.007%). This variant has not been reported in the literature in individuals affected with DSC2-related conditions. ClinVar contains an entry for this variant (Variation ID: 1414508). Algorithms developed to predict the effect of sequence changes on RNA splicing suggest that this variant may disrupt the consensus splice site. In summary, the available evidence is currently insufficient to determine the role of this variant in disease. Therefore, it has been classified as a Variant of Uncertain Significance.